The following is an entry in ClinVar:

ClinVar aggregate classification (germline): Uncertain significance. Review status: criteria provided, multiple submitters, no conflicts (2 of 4 stars). 2 submissions from 2 submitters: Uncertain significance (2). Last evaluated 2025-07-16.

Conditions:
Inborn genetic diseases. Identifiers: MedGen C0950123, MeSH D030342.

gnomAD v4.1: 7 of 1,613,746 alleles (0.00043%); highest among the groups gnomAD compares: Middle Eastern, 0.017%; no homozygotes.

Submissions (2):

Ambry Genetics
Classification: Uncertain significance for Inborn genetic diseases. Last evaluated: 2025-07-16. Review status: criteria provided, single submitter. Criteria: Ambry Variant Classification Scheme 2023. Collection method: clinical testing. Allele origin: germline.

Labcorp Genetics (formerly Invitae), Labcorp
Classification: Uncertain significance. Last evaluated: 2022-06-08. Review status: criteria provided, single submitter. Criteria: Invitae Variant Classification Sherloc (09022015). Collection method: clinical testing. Allele origin: germline.
Comment: This sequence change replaces threonine, which is neutral and polar, with proline, which is neutral and non-polar, at codon 2916 of the PCLO protein (p.Thr2916Pro). This variant is present in population databases (no rsID available, gnomAD 0.0009%). This variant has not been reported in the literature in individuals affected with PCLO-related conditions. Algorithms developed to predict the effect of missense changes on protein structure and function are either unavailable or do not agree on the potential impact of this missense change (SIFT: "Deleterious"; PolyPhen-2: "Not Available"; Align-GVGD: "Class C0"). In summary, the available evidence is currently insufficient to determine the role of this variant in disease. Therefore, it has been classified as a Variant of Uncertain Significance.

NM_033026.6(PCLO):c.8746A>C (p.Thr2916Pro)

Gene: PCLO (piccolo presynaptic cytomatrix protein; minus strand). Cytogenetic location: 7q21.11.
Variant type: single nucleotide variant.
Coding change: c.8746A>C on transcript NM_033026.6 (MANE Select); coding-DNA position 8746, A replaced by C.
Protein change: p.Thr2916Pro; replaces threonine 2916 with proline.
Molecular consequence: missense variant.
Genome position (GRCh38, 1-based): chr7:82,952,207, T>G on the plus strand (A>C on the coding strand, the complement: PCLO is on the minus strand). VCF-style: chr7-82952207-T-G. GRCh37 (hg19) VCF-style: chr7-82581523-T-G.
Other names: c.8746A>C (NM_033026.5); c.8746A>C, p.Thr2916Pro (NM_014510.3); short protein forms T2916P.
Identifiers: ClinVar variation 1902485 (VCV001902485.3), dbSNP rs750132236, ClinGen allele CA367910177.
Genomic context (GRCh38, chr7:82,952,207, plus strand): 5'-TCCCTGCGGTTAAATCAACGGGTTTTTCATCTTCTATTATTTTGGTCATCACACTTGAAG[T>G]AGACTCATCCATTGTTACGACTGTTCTGTGAGACTTGGTTGTACTGAGATCCACTACTTC-3'
Protein context (NP_149015.2, residues 2906-2926): HRTVVTMDES[Thr2916Pro]SSVMTKIIED